The following is an entry in ClinVar:

NM_001110556.2(FLNA):c.2137-2A>G

Gene: FLNA (filamin A; minus strand). Cytogenetic location: Xq28.
Variant type: single nucleotide variant.
Coding change: c.2137-2A>G on transcript NM_001110556.2 (MANE Select); the canonical splice acceptor site of the intron before coding-DNA position 2137, A replaced by G.
Molecular consequence: splice acceptor variant.
Genome position (GRCh38, 1-based): chrX:154,364,167, T>C on the plus strand (A>G on the coding strand, the complement: FLNA is on the minus strand). VCF-style: chrX-154364167-T-C. GRCh37 (hg19) VCF-style: chrX-153592535-T-C.
Other names: c.2137-2A>G (NM_001456.4).
Identifiers: ClinVar variation 423211 (VCV000423211.6), dbSNP rs1064796297, ClinGen allele CA16621255.
Genomic context (GRCh38, chrX:154,364,167, plus strand): 5'-CTGTAAGTGCCATTGCCGTTGTCCTTGACCAACGCCTCCACAGGGCAGCCTTCATTGTCC[T>C]GTCAGGCAGATAGGAGCAGGTGGCCTGCTGGTCAGTGCCCAGGCCTGGGTGCCCACACCT-3'

ClinVar aggregate classification (germline): Conflicting classifications of pathogenicity. Review status: criteria provided, conflicting classifications (1 of 4 stars). 2 submissions from 2 submitters: Likely pathogenic (1); Uncertain significance (1). Last evaluated 2024-11-11.

Conditions:
Thoracic aortic aneurysm or dissection.

Submissions (2):

NHS Central & South Genomic Laboratory Hub
Classification: Uncertain significance for Thoracic aortic aneurysm or dissection. Last evaluated: 2024-11-11. Review status: criteria provided, single submitter. Criteria: ACMG Guidelines, 2015. Collection method: clinical testing. Allele origin: germline. Affected: yes.

GeneDx
Classification: Likely pathogenic. Last evaluated: 2023-09-05. Review status: criteria provided, single submitter. Criteria: GeneDx Variant Classification Process June 2021. Collection method: clinical testing. Allele origin: germline. Affected: yes.
Comment: Has not been previously published as pathogenic or benign to our knowledge; Not observed at significant frequency in large population cohorts (gnomAD); Canonical splice site variant expected to result in aberrant splicing, although in the absence of functional evidence the actual effect of this sequence change is unknown.